The following is an entry in ClinVar:

ClinVar aggregate classification (germline): Conflicting classifications of pathogenicity. Review status: criteria provided, conflicting classifications (1 of 4 stars). 6 submissions from 5 submitters: Uncertain significance (3); Benign (2); Likely benign (1). Last evaluated 2025-04-10.

Conditions:
VCAN-related disorder. Also called: VCAN-related condition.
Vitreoretinopathy. Also called: Vitreoretinal degeneration. Identifiers: MedGen C0344290, MONDO:0020248, HP:0007773.
Inborn genetic diseases. Identifiers: MedGen C0950123, MeSH D030342.
Wagner disease. Also called: Wagner Vitreoretinal Degeneration (Wagner Synrdome); WAGNER SYNDROME 1; HYALOIDEORETINAL DEGENERATION OF WAGNER; Wagner syndrome; WAGNER VITREORETINAL DEGENERATION; WAGNER VITREORETINOPATHY. Identifiers: Orphanet 898, MedGen C1840452, MONDO:0007740, OMIM 143200.

Allele frequency attached by ClinVar (database versions not stated): TOPMed 0.00002; ESP Exome Variant Server 0.00015.
gnomAD v4.1: 105 of 1,611,578 alleles (0.0065%); highest among the groups gnomAD compares: Non-Finnish European, 0.0084%; no homozygotes.

Submissions (6):

Ambry Genetics
Classification: Uncertain significance for Inborn genetic diseases. Last evaluated: 2025-04-10. Review status: criteria provided, single submitter. Criteria: Ambry Variant Classification Scheme 2023. Collection method: clinical testing. Allele origin: germline.

Labcorp Genetics (formerly Invitae), Labcorp
Classification: Uncertain significance. Last evaluated: 2025-04-03. Review status: criteria provided, single submitter. Criteria: Invitae Variant Classification Sherloc (09022015). Collection method: clinical testing. Allele origin: germline.
Comment: This sequence change replaces proline, which is neutral and non-polar, with alanine, which is neutral and non-polar, at codon 337 of the VCAN protein (p.Pro337Ala). This variant is present in population databases (rs199827515, gnomAD 0.01%). This variant has not been reported in the literature in individuals affected with VCAN-related conditions. ClinVar contains an entry for this variant (Variation ID: 906146). An algorithm developed to predict the effect of missense changes on protein structure and function (PolyPhen-2) suggests that this variant is likely to be disruptive. In summary, the available evidence is currently insufficient to determine the role of this variant in disease. Therefore, it has been classified as a Variant of Uncertain Significance.

PreventionGenetics, part of Exact Sciences
Classification: Uncertain significance for VCAN-related condition. Last evaluated: 2024-12-09. Review status: criteria provided, single submitter. Criteria: ACMG Guidelines, 2015. Collection method: clinical testing. Allele origin: germline.
Comment: The VCAN c.1009C>G variant is predicted to result in the amino acid substitution p.Pro337Ala. To our knowledge, this variant has not been reported in the literature. This variant is reported in 0.010% of alleles in individuals of European (Non-Finnish) descent in gnomAD. At this time, the clinical significance of this variant is uncertain due to the absence of conclusive functional and genetic evidence.

Blueprint Genetics
Classification: Likely benign. Last evaluated: 2024-08-28. Review status: criteria provided, single submitter. Criteria: ACMG Guidelines, 2015. Collection method: clinical testing. Allele origin: germline.

Illumina Laboratory Services, Illumina
Classification: Benign for Wagner disease. Last evaluated: 2018-01-13. Review status: criteria provided, single submitter. Criteria: ICSL Variant Classification Criteria 13 December 2019. Collection method: clinical testing. Allele origin: germline.
Comment: This variant was observed in the ICSL laboratory as part of a predisposition screen in an ostensibly healthy population. It had not been previously curated by ICSL or reported in the Human Gene Mutation Database (HGMD: prior to June 1st, 2018), and was therefore a candidate for classification through an automated scoring system. Utilizing variant allele frequency, disease prevalence and penetrance estimates, and inheritance mode, an automated score was calculated to assess if this variant is too frequent to cause the disease. Based on the score and internal cut-off values, a variant classified as benign is not then subjected to further curation. The score for this variant resulted in a classification of benign for this disease.

Illumina Laboratory Services, Illumina
Classification: Benign for Vitreoretinopathy. Last evaluated: 2018-01-13. Review status: criteria provided, single submitter. Criteria: ICSL Variant Classification Criteria 13 December 2019. Collection method: clinical testing. Allele origin: germline.
Comment: the same text as in the submission from Illumina Laboratory Services, Illumina above.

NM_004385.5(VCAN):c.1009C>G (p.Pro337Ala)

Gene: VCAN (versican; plus strand). Cytogenetic location: 5q14.3.
Variant type: single nucleotide variant.
Coding change: c.1009C>G on transcript NM_004385.5 (MANE Select); coding-DNA position 1009, C replaced by G.
Protein change: p.Pro337Ala; replaces proline 337 with alanine.
Molecular consequence: missense variant.
Genome position (GRCh38, 1-based): chr5:83,512,363, C>G. VCF-style: chr5-83512363-C-G. GRCh37 (hg19) VCF-style: chr5-82808182-C-G.
Other names: c.1009C>G, p.Pro337Ala (NM_001126336.3, NM_001164097.2, NM_001164098.2); short protein forms P337A.
Identifiers: ClinVar variation 906146 (VCV000906146.12), dbSNP rs199827515, ClinGen allele CA3332569.